The following is an entry in ClinVar:

NM_001277115.2(DNAH11):c.10054dup (p.Thr3352fs)

Gene: DNAH11 (dynein axonemal heavy chain 11; plus strand). Cytogenetic location: 7p15.3.
Variant type: Duplication.
Coding change: c.10054dup on transcript NM_001277115.2 (MANE Select); coding-DNA position 10054, one base duplicated (A; older notation c.10054dupA).
Protein change: p.Thr3352fs; shifts the reading frame from threonine 3352.
Molecular consequence: frameshift variant.
Genome position (GRCh38, 1-based): chr7:21,801,164, A duplicated. VCF-style (leftmost placement, unchanged base first): chr7-21801163-C-CA. GRCh37 (hg19) VCF-style: chr7-21840781-C-CA.
Other names: c.10075dup, p.Thr3359Asnfs (NM_003777.3); short protein forms T3352fs.
Identifiers: ClinVar variation 2761861 (VCV002761861.3), dbSNP rs2535310419, ClinGen allele CA2697557161.

ClinVar aggregate classification (germline): Pathogenic (1 of 4 stars; one submission).

Conditions:
Primary ciliary dyskinesia. Also called: Ciliary dyskinesia. Identifiers: Orphanet 244, MedGen C0008780, MONDO:0016575, HP:0012265.

Submission:

Labcorp Genetics (formerly Invitae), Labcorp
Classification: Pathogenic for Primary ciliary dyskinesia. Last evaluated: 2023-09-19. Review status: criteria provided, single submitter. Criteria: Invitae Variant Classification Sherloc (09022015). Collection method: clinical testing. Allele origin: germline.
Comment: This variant is not present in population databases (gnomAD no frequency). This sequence change creates a premature translational stop signal (p.Thr3352Asnfs*5) in the DNAH11 gene. It is expected to result in an absent or disrupted protein product. Loss-of-function variants in DNAH11 are known to be pathogenic (PMID: 18022865, 20513915, 22184204). This variant has not been reported in the literature in individuals affected with DNAH11-related conditions. For these reasons, this variant has been classified as Pathogenic.

Literature cited by the submitters: PubMed 18022865; PubMed 20513915; PubMed 22184204.